The following is an entry in ClinVar:

NM_001370259.2(MEN1):c.313dup (p.Leu105fs)

Gene: MEN1 (menin 1; minus strand). Cytogenetic location: 11q13.1.
Variant type: Duplication.
Coding change: c.313dup on transcript NM_001370259.2 (MANE Select); coding-DNA position 313, one base duplicated (C; older notation c.313dupC).
Protein change: p.Leu105fs; shifts the reading frame from leucine 105.
Molecular consequence: frameshift variant.
Genome position (GRCh38, 1-based): chr11:64,809,797, G duplicated on the plus strand (C on the coding strand, the reverse complement: MEN1 is on the minus strand); the first of 3 consecutive G bases (chr11:64,809,797-64,809,799); duplicating any one gives the same sequence. VCF-style (leftmost placement, unchanged base first): chr11-64809796-A-AG. GRCh37 (hg19) VCF-style: chr11-64577268-A-AG.
Other names: c.313dup, p.Leu105fs (NM_000244.4, NM_001370251.2, NM_001370260.2 and 9 more transcripts); short protein forms L105fs.
Identifiers: ClinVar variation 1457895 (VCV001457895.9), dbSNP rs2136184555, ClinGen allele CA2573147363.

ClinVar aggregate classification (germline): Pathogenic (1 of 4 stars; one submission).

Conditions:
Multiple endocrine neoplasia, type 1 (MEN1). Also called: Endocrine adenomatosis multiple; MEN 1; MEA I; MEN I; WERMER SYNDROME. Identifiers: Orphanet 652, MedGen C0025267, MeSH D018761, MONDO:0007540, OMIM 131100.

Submission:

Labcorp Genetics (formerly Invitae), Labcorp
Classification: Pathogenic for Multiple endocrine neoplasia, type 1. Last evaluated: 2025-06-27. Review status: criteria provided, single submitter. Criteria: Invitae Variant Classification Sherloc (09022015). Collection method: clinical testing. Allele origin: germline.
Comment: This sequence change creates a premature translational stop signal (p.Leu105Profs*12) in the MEN1 gene. It is expected to result in an absent or disrupted protein product. Loss-of-function variants in MEN1 are known to be pathogenic (PMID: 12112656, 17853334). This variant is not present in population databases (gnomAD no frequency). This premature translational stop signal has been observed in individual(s) with hereditary hyperparathyroidism (PMID: 21915802). ClinVar contains an entry for this variant (Variation ID: 1457895). For these reasons, this variant has been classified as Pathogenic.

Literature cited by the submitters: PubMed 12112656; PubMed 17853334; PubMed 21915802.